The following is an entry in ClinVar:

ClinVar aggregate classification (germline): Uncertain significance (1 of 4 stars; one submission).

Conditions:
PLXNA1-related disorder. Also called: PLXNA1-related condition.

Submission:

PreventionGenetics, part of Exact Sciences
Classification: Uncertain significance for PLXNA1-related condition. Last evaluated: 2025-12-11. Review status: criteria provided, single submitter. Criteria: ACMG Guidelines, 2015. Collection method: clinical testing. Allele origin: germline.
Comment: The PLXNA1 c.1583G>A variant is predicted to result in the amino acid substitution p.Arg528Gln. To our knowledge, this variant has not been reported in the literature. An alternate substitution affecting the same amino acid (p.Arg528Trp) has been reported as a variant of uncertain significance in a patient with idiopathic hypogonadotropic hypogonadism (Kotan et al. 2019. PubMed ID: 30467832). This variant is reported in 0.017% of alleles in individuals of East Asian descent in gnomAD. At this time, the clinical significance of this variant is uncertain due to the absence of conclusive functional and genetic evidence.

NM_032242.4(PLXNA1):c.1583G>A (p.Arg528Gln)

Gene: PLXNA1 (plexin A1; plus strand). Cytogenetic location: 3q21.3.
Variant type: single nucleotide variant.
Coding change: c.1583G>A on transcript NM_032242.4 (MANE Select); coding-DNA position 1583, G replaced by A.
Protein change: p.Arg528Gln; replaces arginine 528 with glutamine.
Molecular consequence: missense variant.
Genome position (GRCh38, 1-based): chr3:127,004,675, G>A. VCF-style: chr3-127004675-G-A. GRCh37 (hg19) VCF-style: chr3-126723518-G-A.
Other names: short protein forms R528Q.
Identifiers: ClinVar variation 4989045 (VCV004989045.1).
Genomic context (GRCh38, chr3:127,004,675, plus strand): 5'-CGCGGGTGCCTGTGGAGAGCTGTGTGCAGTACACGTCCTGTGAGCTGTGTCTGGGGTCAC[G>A]GGACCCCCACTGTGGCTGGTGTGTCCTGCACAGCATGTGAGTCTGGGCAGGTGGGCAGGG-3'
Protein context (NP_115618.3, residues 518-538): YTSCELCLGS[Arg528Gln]DPHCGWCVLH